The following is an entry in ClinVar:

NM_182641.4(BPTF):c.2266_2272delinsCGTCTGT (p.Cys756_Thr758delinsArgLeuSer)

Gene: BPTF (bromodomain PHD finger transcription factor; plus strand). Cytogenetic location: 17q24.2.
Variant type: Indel.
Coding change: c.2266_2272delinsCGTCTGT on transcript NM_182641.4 (MANE Select); coding-DNA positions 2266 to 2272, TGTCTGA replaced by CGTCTGT.
Protein change: p.Cys756_Thr758delinsArgLeuSer.
Molecular consequence: missense variant.
Genome position (GRCh38, 1-based): chr17:67,893,580-67,893,586, TGTCTGA replaced by CGTCTGT. VCF-style: chr17-67893580-TGTCTGA-CGTCTGT. GRCh37 (hg19) VCF-style: chr17-65889696-TGTCTGA-CGTCTGT.
Other names: c.2644_2650delinsCGTCTGT, p.Cys882_Thr884delinsArgLeuSer (NM_004459.7).
Identifiers: ClinVar variation 2430727 (VCV002430727.2), dbSNP rs2510969388, ClinGen allele CA2580095002.

ClinVar aggregate classification (germline): Uncertain significance (1 of 4 stars; one submission).

Submission:

GeneDx
Classification: Uncertain significance. Last evaluated: 2023-04-07. Review status: criteria provided, single submitter. Criteria: GeneDx Variant Classification Process June 2021. Collection method: clinical testing. Allele origin: germline.
Comment: Not observed at significant frequency in large population cohorts (gnomAD); In silico analysis supports a deleterious effect on protein structure/function; Has not been previously published as pathogenic or benign to our knowledge